The following is an entry in ClinVar:

ClinVar aggregate classification (germline): Pathogenic. Review status: criteria provided, multiple submitters, no conflicts (2 of 4 stars). 2 submissions from 2 submitters: Pathogenic (2). Last evaluated 2022-02-01.

Conditions:
Bardet-Biedl syndrome 1 (BBS1). Identifiers: MedGen C2936862, MONDO:0008854, OMIM 209900. Disease mechanism: loss of function.

Submissions (2):

Daryl Scott Lab, Baylor College of Medicine
Classification: Pathogenic for Bardet-Biedl syndrome 1. Last evaluated: 2022-02-01. Review status: criteria provided, single submitter. Criteria: ACMG Guidelines, 2015. Collection method: clinical testing. Allele origin: unknown. Affected: yes. Observed: 1 variant allele, 1 homozygote.

Baylor Genetics
Classification: Pathogenic for Bardet-Biedl syndrome 1. Last evaluated: 2020-06-03. Review status: criteria provided, single submitter. Criteria: ACMG Guidelines, 2015. Collection method: clinical testing. Allele origin: unknown. Affected: yes.
Comment: This variant was determined to be pathogenic according to ACMG Guidelines, 2015 [PMID:25741868].

Literature cited by the submitters: PubMed 36474027 (cited by Daryl Scott Lab, Baylor College of Medicine).

NM_024649.5(BBS1):c.951+1G>T

Genes: BBS1 (Bardet-Biedl syndrome 1; plus strand), ZDHHC24 (zDHHC palmitoyltransferase 24; minus strand). Cytogenetic location: 11q13.2.
Variant type: single nucleotide variant.
Coding change: c.951+1G>T on transcript NM_024649.5 (MANE Select); the canonical splice donor site of the intron after coding-DNA position 951, G replaced by T.
Molecular consequence: splice donor variant. On other transcripts: intron variant (1).
Genome position (GRCh38, 1-based): chr11:66,523,577, G>T. VCF-style: chr11-66523577-G-T. GRCh37 (hg19) VCF-style: chr11-66291048-G-T.
Other names: c.*22-2111C>A (NM_001348571.2).
Identifiers: ClinVar variation 1028835 (VCV001028835.3), dbSNP rs746875134, ClinGen allele CA381461899.